The following is an entry in ClinVar:

NM_001378452.1(ITPR1):c.6717A>G (p.Thr2239=)

Gene: ITPR1 (inositol 1,4,5-trisphosphate receptor type 1; plus strand). Cytogenetic location: 3p26.1.
Variant type: single nucleotide variant.
Coding change: c.6717A>G on transcript NM_001378452.1 (MANE Select); coding-DNA position 6717, A replaced by G.
Protein change: p.Thr2239=; no amino-acid change (threonine 2239 retained).
Molecular consequence: synonymous variant.
Genome position (GRCh38, 1-based): chr3:4,788,048, A>G. VCF-style: chr3-4788048-A-G. GRCh37 (hg19) VCF-style: chr3-4829732-A-G.
Other names: p.Thr2176=; c.6573A>G, p.Thr2191= (NM_001099952.4); c.6672A>G, p.Thr2224= (NM_001168272.2); c.6528A>G, p.Thr2176= (NM_002222.7); c.6528A>G (NM_002222.6).
Identifiers: ClinVar variation 129301 (VCV000129301.27), dbSNP rs13079522, ClinGen allele CA153219.

ClinVar aggregate classification (germline): Benign. Review status: criteria provided, multiple submitters, no conflicts (2 of 4 stars). 10 submissions from 10 submitters: Benign (7). 3 of the submissions do not count toward it. Last evaluated 2026-02-03.

Conditions:
Autosomal dominant cerebellar ataxia. Also called: Spinocerebellar Ataxia, Dominant. Identifiers: Orphanet 99, MedGen C4087347, MONDO:0020380.

Allele frequency attached by ClinVar (database versions not stated): 1000 Genomes Project 0.24561; 1000 Genomes Project 30x 0.24594; TOPMed 0.28955; gnomAD exomes 0.30087 and 0.31833; gnomAD 0.30449 and 0.30736; ESP Exome Variant Server 0.30488; ExAC 0.32942.
gnomAD v4.1: 510,120 of 1,611,078 alleles (32%); highest among the groups gnomAD compares: South Asian, 34%; 82,813 homozygotes.

Submissions (10):

Labcorp Genetics (formerly Invitae), Labcorp
Classification: Benign. Last evaluated: 2026-02-03. Review status: criteria provided, single submitter. Criteria: Invitae Variant Classification Sherloc (09022015). Collection method: clinical testing. Allele origin: germline.

Blueprint Genetics
Classification: Benign. Last evaluated: 2024-11-26. Review status: criteria provided, single submitter. Criteria: ACMG Guidelines, 2015. Collection method: clinical testing. Allele origin: germline.

Mayo Clinic Laboratories, Mayo Clinic
Classification: Benign. Last evaluated: 2022-03-24. Review status: criteria provided, single submitter. Criteria: ACMG Guidelines, 2015. Collection method: clinical testing. Allele origin: germline. Observed: 258 variant alleles.

Athena Diagnostics
Classification: Benign. Last evaluated: 2019-09-04. Review status: criteria provided, single submitter. Criteria: Athena Diagnostics Criteria. Collection method: clinical testing. Allele origin: unknown.

GeneDx
Classification: Benign. Last evaluated: 2018-07-26. Review status: criteria provided, single submitter. Criteria: GeneDx Variant Classification Process June 2021. Collection method: clinical testing. Allele origin: germline. Affected: yes.

Illumina Laboratory Services, Illumina
Classification: Benign for Spinocerebellar Ataxia, Dominant. Last evaluated: 2018-01-12. Review status: criteria provided, single submitter. Criteria: ICSL Variant Classification Criteria 13 December 2019. Collection method: clinical testing. Allele origin: germline.
Comment: This variant was observed in the ICSL laboratory as part of a predisposition screen in an ostensibly healthy population. It had not been previously curated by ICSL or reported in the Human Gene Mutation Database (HGMD: prior to June 1st, 2018), and was therefore a candidate for classification through an automated scoring system. Utilizing variant allele frequency, disease prevalence and penetrance estimates, and inheritance mode, an automated score was calculated to assess if this variant is too frequent to cause the disease. Based on the score and internal cut-off values, a variant classified as benign is not then subjected to further curation. The score for this variant resulted in a classification of benign for this disease.

Breakthrough Genomics
Classification: Benign. Review status: criteria provided, single submitter. Criteria: ACMG Guidelines, 2015. Collection method: not provided. Allele origin: germline. Inheritance: Autosomal dominant inheritance. Affected: yes.

Clinical Genetics DNA and cytogenetics Diagnostics Lab, Erasmus MC, Erasmus Medical Center
Classification: Benign. Review status: no assertion criteria provided. Collection method: clinical testing. Allele origin: germline. Affected: yes. Study: VKGL Data-share Consensus. Not counted in ClinVar's aggregate classification.

Diagnostic Laboratory, Department of Genetics, University Medical Center Groningen
Classification: Benign. Review status: no assertion criteria provided. Collection method: clinical testing. Allele origin: germline. Affected: yes. Study: VKGL Data-share Consensus. Not counted in ClinVar's aggregate classification.

Genetic Services Laboratory, University of Chicago
Classification: Likely benign for AllHighlyPenetrant. Review status: no assertion criteria provided. Collection method: clinical testing. Allele origin: germline. Inheritance: Autosomal dominant inheritance. Not counted in ClinVar's aggregate classification.
Comment: Likely benign based on allele frequency in 1000 Genomes Project or ESP global frequency and its presence in a patient with a rare or unrelated disease phenotype. NOT Sanger confirmed.